The following is an entry in ClinVar:

NM_000116.5(TAFAZZIN):c.634C>T (p.Leu212=)

Gene: TAFAZZIN (tafazzin, phospholipid-lysophospholipid transacylase; plus strand). Cytogenetic location: Xq28.
Variant type: single nucleotide variant.
Coding change: c.634C>T on transcript NM_000116.5 (MANE Select); coding-DNA position 634, C replaced by T.
Protein change: p.Leu212=; no amino-acid change (leucine 212 retained).
Molecular consequence: synonymous variant. On other transcripts: non-coding transcript variant (1).
Genome position (GRCh38, 1-based): chrX:154,420,082, C>T. VCF-style: chrX-154420082-C-T. GRCh37 (hg19) VCF-style: chrX-153648421-C-T.
Other names: p.L212L:CTG>TTG; c.646C>T, p.Leu216= (NM_001303465.2); c.544C>T, p.Leu182= (NM_181311.4); c.592C>T, p.Leu198= (NM_181312.4); c.502C>T, p.Leu168= (NM_181313.4).
Identifiers: ClinVar variation 139389 (VCV000139389.5), dbSNP rs587781186, ClinGen allele CA293856.

ClinVar aggregate classification (germline): Benign/Likely benign. Review status: criteria provided, multiple submitters, no conflicts (2 of 4 stars). 3 submissions from 3 submitters: Benign (1); Likely benign (2). Last evaluated 2023-04-06.

Conditions:
3-Methylglutaconic aciduria type 2 (BTHS). Also called: CARDIOSKELETAL MYOPATHY WITH NEUTROPENIA AND ABNORMAL MITOCHONDRIA; Barth syndrome. Identifiers: Orphanet 111, MedGen C0574083, MONDO:0010543, OMIM 302060.

Allele frequency attached by ClinVar (database versions not stated): gnomAD exomes below 0.00001 and 0.00001.
gnomAD v4.1: 1 of 1,212,053 alleles (0.000083%); highest among the groups gnomAD compares: Non-Finnish European, 0.00011%; no homozygotes.

Submissions (3):

Labcorp Genetics (formerly Invitae), Labcorp
Classification: Likely benign for 3-Methylglutaconic aciduria type 2. Last evaluated: 2023-04-06. Review status: criteria provided, single submitter. Criteria: Invitae Variant Classification Sherloc (09022015). Collection method: clinical testing. Allele origin: germline.

Women's Health and Genetics/Laboratory Corporation of America, LabCorp
Classification: Likely benign. Last evaluated: 2021-03-15. Review status: criteria provided, single submitter. Criteria: LabCorp Variant Classification Summary - May 2015. Collection method: clinical testing. Allele origin: germline.

GeneDx
Classification: Benign. Last evaluated: 2011-07-05. Review status: criteria provided, single submitter. Criteria: GeneDx Variant Classification (06012015). Collection method: clinical testing. Allele origin: germline. Affected: yes.
Comment: This variant is considered likely benign or benign based on one or more of the following criteria: it is a conservative change, it occurs at a poorly conserved position in the protein, it is predicted to be benign by multiple in silico algorithms, and/or has population frequency not consistent with disease.